The following is an entry in ClinVar:

ClinVar aggregate classification (germline): Uncertain significance (1 of 4 stars; one submission).

Allele frequency attached by ClinVar (database versions not stated): gnomAD exomes 0.00001; gnomAD 0.00002; TOPMed 0.00002; ExAC 0.00004.
gnomAD v4.1: 16 of 1,611,918 alleles (0.00099%); highest among the groups gnomAD compares: East Asian, 0.011%; no homozygotes.

Submission:

Labcorp Genetics (formerly Invitae), Labcorp
Classification: Uncertain significance. Last evaluated: 2024-03-19. Review status: criteria provided, single submitter. Criteria: Invitae Variant Classification Sherloc (09022015). Collection method: clinical testing. Allele origin: germline.
Comment: This sequence change replaces arginine, which is basic and polar, with histidine, which is basic and polar, at codon 1056 of the ADNP protein (p.Arg1056His). This variant is present in population databases (rs778155799, gnomAD 0.03%). This variant has not been reported in the literature in individuals affected with ADNP-related conditions. ClinVar contains an entry for this variant (Variation ID: 2197969). An algorithm developed to predict the effect of missense changes on protein structure and function (PolyPhen-2) suggests that this variant¬†is likely to be tolerated. In summary, the available evidence is currently insufficient to determine the role of this variant in disease. Therefore, it has been classified as a Variant of Uncertain Significance.

NM_001282531.3(ADNP):c.3167G>A (p.Arg1056His)

Gene: ADNP (activity dependent neuroprotector homeobox; minus strand). Cytogenetic location: 20q13.13.
Variant type: single nucleotide variant.
Coding change: c.3167G>A on transcript NM_001282531.3 (MANE Select); coding-DNA position 3167, G replaced by A.
Protein change: p.Arg1056His; replaces arginine 1056 with histidine.
Molecular consequence: missense variant.
Genome position (GRCh38, 1-based): chr20:50,891,547, C>T on the plus strand (G>A on the coding strand, the complement: ADNP is on the minus strand). VCF-style: chr20-50891547-C-T. GRCh37 (hg19) VCF-style: chr20-49508084-C-T.
Other names: c.3167G>A, p.Arg1056His (NM_001282532.2, NM_001347511.2, NM_015339.5 and 1 more transcripts); short protein forms R1056H.
Identifiers: ClinVar variation 2197969 (VCV002197969.3), dbSNP rs778155799, ClinGen allele CA9908437.